The following is an entry in ClinVar:

ClinVar aggregate classification (germline): Likely benign (0 of 4 stars; one submission).

Conditions:
KCNQ1-related disorder. Also called: KCNQ1-related condition; KCNQ1-related disorders. Identifiers: MedGen CN239322.

Allele frequency attached by ClinVar (database versions not stated): 1000 Genomes Project 30x 0.00047; 1000 Genomes Project 0.00080.
gnomAD v4.1: 107 of 398,864 alleles (0.027%); highest among the groups gnomAD compares: African/African-American, 0.18%; no homozygotes.

Submission:

PreventionGenetics, part of Exact Sciences
Classification: Likely benign for KCNQ1-related condition. Last evaluated: 2022-07-25. Review status: no assertion criteria provided. Collection method: clinical testing. Allele origin: germline.
Comment: This variant is classified as likely benign based on ACMG/AMP sequence variant interpretation guidelines (Richards et al. 2015 PMID: 25741868, with internal and published modifications).

NM_000218.3(KCNQ1):c.1394-9268G>T

Genes: KCNQ1 (potassium voltage-gated channel subfamily Q member 1; plus strand), KCNQ1OT1 (KCNQ1 opposite strand/antisense transcript 1; minus strand). Cytogenetic location: 11p15.5.
Variant type: single nucleotide variant.
Coding change: c.1394-9268G>T on transcript NM_000218.3 (MANE Select); 9268 bases into the intron before coding-DNA position 1394, G replaced by T.
Molecular consequence: intron variant. On other transcripts: non-coding transcript variant (1).
Genome position (GRCh38, 1-based): chr11:2,652,693, G>T. VCF-style: chr11-2652693-G-T. GRCh37 (hg19) VCF-style: chr11-2673923-G-T.
Other names: c.1124-9268G>T (NM_001406837.1); c.1298-9268G>T (NM_001406836.1); c.854-9268G>T (NM_001406838.1); c.1013-9268G>T (NM_181798.2).
Identifiers: ClinVar variation 3036861 (VCV003036861.2), dbSNP rs180782813, ClinGen allele CA216164259.